The following is an entry in ClinVar:

ClinVar aggregate classification (germline): Pathogenic/Likely pathogenic. Review status: criteria provided, multiple submitters, no conflicts (2 of 4 stars). 6 submissions from 6 submitters: Pathogenic (1); Likely pathogenic (4). 1 of the submissions does not count toward it. Last evaluated 2026-05-15.

Conditions:
PKD1-related disorder. Also called: PKD1-related condition.
Polycystic kidney disease, adult type (PKD1). Also called: POLYCYSTIC KIDNEY DISEASE, ADULT, TYPE I; POLYCYSTIC KIDNEY DISEASE 1 WITH OR WITHOUT POLYCYSTIC LIVER DISEASE; Polycystic Kidney Disease 1, Autosomal Dominant; Polycystic kidney disease 1; Polycystic kidney disease 1, severe; Polycystic Kidney, Autosomal Dominant. Identifiers: MedGen C3149841, MONDO:0008263, OMIM 173900.

Submissions (6):

Women's Health and Genetics/Laboratory Corporation of America, LabCorp
Classification: Pathogenic for Polycystic kidney disease, adult type. Last evaluated: 2026-05-15. Review status: criteria provided, single submitter. Criteria: LabCorp Variant Classification Summary - May 2015. Collection method: clinical testing. Allele origin: germline.
Comment: Variant summary: PKD1 c.6778_6780delATT (p.Ile2260del) results in an in-frame deletion that is predicted to remove one amino acid from the encoded protein. The variant was absent in 248666 control chromosomes (gnomAD). c.6778_6780delATT has been observed in multiple individuals affected with autosomal dominant Polycystic Kidney Disease and has been reported to segregate with disease in at least one family (e.g. Rossetti_2002, Vaisitti_2021, Elhassan_2024, Kai_2025). These data indicate that the variant is very likely to be associated with disease. The following publications have been ascertained in the context of this evaluation (PMID: 38481516, 40978191, 11967008, 33226606). ClinVar contains an entry for this variant (Variation ID: 1706248). Based on the evidence outlined above, the variant was classified as pathogenic.

Fulgent Genetics
Classification: Likely pathogenic for Polycystic kidney disease, adult type. Last evaluated: 2024-03-09. Review status: criteria provided, single submitter. Criteria: ACMG Guidelines, 2015. Collection method: clinical testing. Allele origin: germline.

CeGaT Center for Human Genetics Tuebingen
Classification: Likely pathogenic. Last evaluated: 2024-01-01. Review status: criteria provided, single submitter. Criteria: CeGaT Center For Human Genetics Tuebingen Variant Classification Criteria Version 2. Collection method: clinical testing. Allele origin: germline. Affected: yes. Observed: 1 variant allele.
Comment: PKD1: PM2, PS4:Moderate, PM4:Supporting, PP4

Neuberg Centre For Genomic Medicine, NCGM
Classification: Likely pathogenic for Polycystic kidney disease, adult type. Last evaluated: 2023-05-20. Review status: criteria provided, single submitter. Criteria: ACMG Guidelines, 2015. Collection method: clinical testing. Allele origin: germline. Inheritance: Autosomal dominant inheritance. Affected: yes.
Comment: The observed inframe deletion c.6778_6780del(p.Ile2260del) variant in PKD1 gene has been reported in heterozygous state in individual(s) affected with polycystic kidney disease (Rossetti S, et. al., 2002; Rossetti S, et. al., 2003; Trujillano D, et. al., 2014). The p.Ile2260del variant is absent in gnomAD Exomes. This variant has been submitted to the ClinVar database as Likely pathogenic. This p.Ile2260del causes deletion of amino acid Isoleucine at position 2260. Additional functional studies are required to prove pathogenicity of the variant. For these reasons, this variant has been classified as Likely Pathogenic.

GeneDx
Classification: Likely pathogenic. Last evaluated: 2022-04-05. Review status: criteria provided, single submitter. Criteria: GeneDx Variant Classification Process June 2021. Collection method: clinical testing. Allele origin: germline. Affected: yes.
Comment: In-frame deletion of 1 amino acids in a non-repeat region; Not observed at significant frequency in large population cohorts (gnomAD); In silico analysis supports a deleterious effect on protein structure/function; This variant is associated with the following publications: (PMID: 25333066, 33226606, 12842373, 11967008, 22508176)

PreventionGenetics, part of Exact Sciences
Classification: Pathogenic for PKD1-related condition. Last evaluated: 2024-03-15. Review status: no assertion criteria provided. Collection method: clinical testing. Allele origin: germline. Not counted in ClinVar's aggregate classification.
Comment: The PKD1 c.6778_6780delATT variant is predicted to result in an in-frame deletion (p.Ile2260del). This variant was reported in individuals with polycystic kidney disease (Rossetti et al. 2002. PubMed ID: 11967008; Vaisitti et al. 2020. PubMed ID: 33226606). In Rossetti et al. study, this variant was found to segregate with disease. Moreover, small in-frame deletions were commonly reported to be pathogenic (Human Gene Mutation Database). This variant has not been reported in a large population database, indicating this variant is rare. Taken together, this variant is interpreted as pathogenic.

Literature cited by the submitters: PubMed 33226606 (cited by Women's Health and Genetics/Laboratory Corporation of America, LabCorp); PubMed 11967008 (cited by Women's Health and Genetics/Laboratory Corporation of America, LabCorp); PubMed 38481516 (cited by Women's Health and Genetics/Laboratory Corporation of America, LabCorp); PubMed 40978191 (cited by Women's Health and Genetics/Laboratory Corporation of America, LabCorp).

NM_001009944.3(PKD1):c.6778_6780del (p.Ile2260del)

Gene: PKD1 (polycystin 1, transient receptor potential channel interacting; minus strand). Cytogenetic location: 16p13.3.
Variant type: Deletion.
Coding change: c.6778_6780del on transcript NM_001009944.3 (MANE Select); coding-DNA positions 6778 to 6780, 3 bases deleted (ATT; older notation c.6778_6780delATT).
Protein change: p.Ile2260del; deletes isoleucine 2260.
Molecular consequence: inframe deletion. On other transcripts: inframe indel (1).
Genome position (GRCh38, 1-based): chr16:2,108,387-2,108,389, AAT deleted on the plus strand (ATT on the coding strand, the reverse complement: PKD1 is on the minus strand). VCF-style (leftmost placement, unchanged base first): chr16-2108386-CAAT-C. GRCh37 (hg19) VCF-style: chr16-2158387-CAAT-C.
Other names: c.6778_6780delATT (NM_001009944.3); c.6778_6780del, p.Ile2260del (NM_000296.4); c.6778_6780delATT, p.Ile2260del (NM_001009944.2); short protein forms I2260del.
Identifiers: ClinVar variation 1706248 (VCV001706248.26), dbSNP rs2544800298, ClinGen allele CA2580090970.